The following is an entry in ClinVar:

ClinVar aggregate classification (germline): Uncertain significance (1 of 4 stars; one submission).

gnomAD v4.1: 7 of 1,614,106 alleles (0.00043%); highest among the groups gnomAD compares: Non-Finnish European, 0.00059%; no homozygotes.

Submission:

Labcorp Genetics (formerly Invitae), Labcorp
Classification: Uncertain significance. Last evaluated: 2025-07-16. Review status: criteria provided, single submitter. Criteria: Invitae Variant Classification Sherloc (09022015). Collection method: clinical testing. Allele origin: germline.
Comment: This sequence change replaces glycine, which is neutral and non-polar, with arginine, which is basic and polar, at codon 1137 of the KANK1 protein (p.Gly1137Arg). This variant is not present in population databases (gnomAD no frequency). This variant has not been reported in the literature in individuals affected with KANK1-related conditions. Invitae Evidence Modeling of protein sequence and biophysical properties (such as structural, functional, and spatial information, amino acid conservation, physicochemical variation, residue mobility, and thermodynamic stability) indicates that this missense variant is not expected to disrupt KANK1 protein function with a negative predictive value of 80%. In summary, the available evidence is currently insufficient to determine the role of this variant in disease. Therefore, it has been classified as a Variant of Uncertain Significance.

NM_015158.5(KANK1):c.3409G>C (p.Gly1137Arg)

Genes: KANK1 (KN motif and ankyrin repeat domains 1; plus strand), LOC126860554 (MED14-independent group 3 enhancer GRCh37_chr9:737889-739088; plus strand). Cytogenetic location: 9p24.3.
Variant type: single nucleotide variant.
Coding change: c.3409G>C on transcript NM_015158.5 (MANE Select); coding-DNA position 3409, G replaced by C.
Protein change: p.Gly1137Arg; replaces glycine 1137 with arginine.
Molecular consequence: missense variant. On other transcripts: non-coding transcript variant (1).
Genome position (GRCh38, 1-based): chr9:738,360, G>C. VCF-style: chr9-738360-G-C. GRCh37 (hg19) VCF-style: chr9-738360-G-C.
Other names: c.3409G>C, p.Gly1137Arg (NM_001256876.3, NM_001256877.3, NM_001354334.2 and 1 more transcripts); c.3169G>C, p.Gly1057Arg (NM_001354331.2); c.3355G>C, p.Gly1119Arg (NM_001354332.2); c.2935G>C, p.Gly979Arg (NM_001354333.2, NM_001354335.2, NM_001354337.2 and 2 more transcripts); c.2641G>C, p.Gly881Arg (NM_001354336.2, NM_001438411.1); c.2881G>C, p.Gly961Arg (NM_001354338.2, NM_001354340.2, NM_001354344.2); c.2695G>C, p.Gly899Arg (NM_001354339.2, NM_001354342.2, NM_001354343.2); short protein forms G1119R, G1137R, G881R, G1057R, G899R, G961R, G979R.
Identifiers: ClinVar variation 4697775 (VCV004697775.1).